The following is an entry in ClinVar:

NM_000193.4(SHH):c.752TCT[1] (p.Phe252del)

Gene: SHH (sonic hedgehog signaling molecule; minus strand). Cytogenetic location: 7q36.3.
Variant type: Microsatellite.
Coding change: c.752TCT[1] on transcript NM_000193.4 (MANE Select); one copy of the 3-base unit TCT starting at c.752; the reference has two copies in a row; one copy, 3 bases deleted.
Protein change: p.Phe252del; deletes phenylalanine 252.
Molecular consequence: intron variant (on NM_001310462.2).
Genome position (GRCh38, 1-based): chr7:155,803,532-155,803,534, AGA deleted on the plus strand (TCT on the coding strand, the reverse complement: SHH is on the minus strand); deleting any 3 consecutive bases within chr7:155,803,532-155,803,537 gives the same sequence; the position shown is the placement nearest the transcript's 3' end. VCF-style (leftmost placement, unchanged base first): chr7-155803531-TAGA-T. GRCh37 (hg19) VCF-style: chr7-155596225-TAGA-T.
Other names: c.301+2762_301+2764del (NM_001310462.2); short protein forms F252del.
Identifiers: ClinVar variation 3724232 (VCV003724232.2).

ClinVar aggregate classification (germline): Uncertain significance (1 of 4 stars; one submission).

Conditions:
Holoprosencephaly 3 (HPE3). Identifiers: Orphanet 2162, MedGen C1840529, MONDO:0007733, OMIM 142945.

Submission:

Labcorp Genetics (formerly Invitae), Labcorp
Classification: Uncertain significance for Holoprosencephaly 3. Last evaluated: 2025-03-31. Review status: criteria provided, single submitter. Criteria: Invitae Variant Classification Sherloc (09022015). Collection method: clinical testing. Allele origin: germline.
Comment: This variant, c.755_757del, results in the deletion of 1 amino acid(s) of the SHH protein (p.Phe252del), but otherwise preserves the integrity of the reading frame. This variant is not present in population databases (gnomAD no frequency). This variant has been observed in individuals with clinical features of SHH-related disorders (PMID: 37184081, 37541188; internal data). Experimental studies and prediction algorithms are not available or were not evaluated, and the functional significance of this variant is currently unknown. In summary, the available evidence is currently insufficient to determine the role of this variant in disease. Therefore, it has been classified as a Variant of Uncertain Significance.

Literature cited by the submitters: PubMed 37184081; PubMed 37541188.